The following is an entry in ClinVar:

ClinVar aggregate classification (germline): Uncertain significance. Review status: criteria provided, multiple submitters, no conflicts (2 of 4 stars). 2 submissions from 2 submitters: Uncertain significance (2). Last evaluated 2025-04-16.

Conditions:
Charcot-Marie-Tooth disease type 4. Also called: Charcot-Marie-Tooth disease, type IV; Charcot-Marie-Tooth, Type 4. Identifiers: Orphanet 64749, MedGen C4082197, MONDO:0018995.

gnomAD v4.1: 4 of 1,613,030 alleles (0.00025%); highest among the groups gnomAD compares: Non-Finnish European, 0.00034%; no homozygotes.

Submissions (2):

Women's Health and Genetics/Laboratory Corporation of America, LabCorp
Classification: Uncertain significance. Last evaluated: 2025-04-16. Review status: criteria provided, single submitter. Criteria: LabCorp Variant Classification Summary - May 2015. Collection method: clinical testing. Allele origin: germline.
Comment: Variant summary: FGD4 c.1613A>G (p.Asn538Ser) results in a conservative amino acid change in the encoded protein sequence. Five of five in-silico tools predict a benign effect of the variant on protein function. The variant was absent in 251408 control chromosomes. The available data on variant occurrences in the general population are insufficient to allow any conclusion about variant significance. To our knowledge, no occurrence of c.1613A>G in individuals affected with Charcot-Marie-Tooth disease type 4H and no experimental evidence demonstrating its impact on protein function have been reported. ClinVar contains an entry for this variant (Variation ID: 1040091). Based on the evidence outlined above, the variant was classified as uncertain significance.

Labcorp Genetics (formerly Invitae), Labcorp
Classification: Uncertain significance for Charcot-Marie-Tooth disease type 4. Last evaluated: 2021-08-26. Review status: criteria provided, single submitter. Criteria: Invitae Variant Classification Sherloc (09022015). Collection method: clinical testing. Allele origin: germline.
Comment: In summary, the available evidence is currently insufficient to determine the role of this variant in disease. Therefore, it has been classified as a Variant of Uncertain Significance. Algorithms developed to predict the effect of missense changes on protein structure and function (SIFT, PolyPhen-2, Align-GVGD) all suggest that this variant is likely to be tolerated, but these predictions have not been confirmed by published functional studies and their clinical significance is uncertain. This variant has not been reported in the literature in individuals with FGD4-related conditions. This variant is not present in population databases (ExAC no frequency). This sequence change replaces asparagine with serine at codon 538 of the FGD4 protein (p.Asn538Ser). The asparagine residue is highly conserved and there is a small physicochemical difference between asparagine and serine.

NM_001370298.3(FGD4):c.2024A>G (p.Asn675Ser)

Gene: FGD4 (FYVE, RhoGEF and PH domain containing 4; plus strand). Cytogenetic location: 12p11.21.
Variant type: single nucleotide variant.
Coding change: c.2024A>G on transcript NM_001370298.3 (MANE Select); coding-DNA position 2024, A replaced by G.
Protein change: p.Asn675Ser; replaces asparagine 675 with serine.
Molecular consequence: missense variant.
Genome position (GRCh38, 1-based): chr12:32,625,046, A>G. VCF-style: chr12-32625046-A-G. GRCh37 (hg19) VCF-style: chr12-32777980-A-G.
Other names: c.1868A>G, p.Asn623Ser (NM_001304481.2); c.869A>G, p.Asn290Ser (NM_001304483.2); c.581A>G, p.Asn194Ser (NM_001304484.2); c.1334A>G, p.Asn445Ser (NM_001330373.2, NM_001330374.2, NM_001384130.1); c.1061A>G, p.Asn354Ser (NM_001370297.1); c.2024A>G, p.Asn675Ser (NM_001384126.1); c.1613A>G, p.Asn538Ser (NM_001384127.1, NM_001384128.1, NM_001385118.1 and 1 more transcripts); short protein forms N194S, N354S, N623S, N538S, N675S, N290S, N445S.
Identifiers: ClinVar variation 1040091 (VCV001040091.9), dbSNP rs1592452330, ClinGen allele CA384367064.